The following is an entry in ClinVar:

NM_006947.4(SRP72):c.722G>A (p.Arg241Gln)

Gene: SRP72 (signal recognition particle 72; plus strand). Cytogenetic location: 4q12.
Variant type: single nucleotide variant.
Coding change: c.722G>A on transcript NM_006947.4 (MANE Select); coding-DNA position 722, G replaced by A.
Protein change: p.Arg241Gln; replaces arginine 241 with glutamine.
Molecular consequence: missense variant. On other transcripts: non-coding transcript variant (1), intron variant (1).
Genome position (GRCh38, 1-based): chr4:56,478,458, G>A. VCF-style: chr4-56478458-G-A. GRCh37 (hg19) VCF-style: chr4-57344624-G-A.
Other names: c.642+1756G>A (NM_001267722.2); short protein forms R241Q.
Identifiers: ClinVar variation 1337925 (VCV001337925.12), dbSNP rs143909076, ClinGen allele CA2931158.

ClinVar aggregate classification (germline): Uncertain significance. Review status: criteria provided, multiple submitters, no conflicts (2 of 4 stars). 3 submissions from 3 submitters: Uncertain significance (3). Last evaluated 2024-11-27.

Allele frequency attached by ClinVar (database versions not stated): gnomAD 0.00001; ExAC 0.00003; gnomAD exomes 0.00003; TOPMed 0.00003; 1000 Genomes Project 30x 0.00016; 1000 Genomes Project 0.00020.

Submissions (3):

Ambry Genetics
Classification: Uncertain significance. Last evaluated: 2024-11-27. Review status: criteria provided, single submitter. Criteria: Ambry Variant Classification Scheme 2023. Collection method: clinical testing. Allele origin: germline.
Comment: The p.R241Q variant (also known as c.722G>A), located in coding exon 7 of the SRP72 gene, results from a G to A substitution at nucleotide position 722. The arginine at codon 241 is replaced by glutamine, an amino acid with highly similar properties. This amino acid position is conserved. In addition, the in silico prediction for this alteration is inconclusive. Based on the available evidence, the clinical significance of this variant remains unclear.

Labcorp Genetics (formerly Invitae), Labcorp
Classification: Uncertain significance. Last evaluated: 2022-08-16. Review status: criteria provided, single submitter. Criteria: Invitae Variant Classification Sherloc (09022015). Collection method: clinical testing. Allele origin: germline.
Comment: This sequence change replaces arginine, which is basic and polar, with glutamine, which is neutral and polar, at codon 241 of the SRP72 protein (p.Arg241Gln). In summary, the available evidence is currently insufficient to determine the role of this variant in disease. Therefore, it has been classified as a Variant of Uncertain Significance. Algorithms developed to predict the effect of missense changes on protein structure and function (SIFT, PolyPhen-2, Align-GVGD) all suggest that this variant is likely to be tolerated. ClinVar contains an entry for this variant (Variation ID: 1337925). This variant has not been reported in the literature in individuals affected with SRP72-related conditions. This variant is present in population databases (rs143909076, gnomAD 0.02%).

Genetic Services Laboratory, University of Chicago
Classification: Uncertain significance. Last evaluated: 2021-05-03. Review status: criteria provided, single submitter. Criteria: ACMG Guidelines, 2015. Collection method: clinical testing. Allele origin: germline. Affected: no.